The following is an entry in ClinVar:

ClinVar aggregate classification (germline): Pathogenic (1 of 4 stars; one submission).

Conditions:
Peroxisome biogenesis disorder. Identifiers: Orphanet 79189, MedGen C1832200, MONDO:0019234. Disease mechanism: loss of function.

Submission:

Myriad Genetics, Inc.
Classification: Pathogenic for Peroxisome biogenesis disorder. Last evaluated: 2024-10-21. Review status: criteria provided, single submitter. Criteria: Myriad Autosomal Dominant, Autosomal Recessive and X-Linked Classification Criteria (2023). Collection method: clinical testing. Allele origin: unknown.
Comment: NM_000288.3(PEX7):c.782dupG(C261Wfs*4) is expected to be pathogenic in the context of PEX7-related disorders. This variant is predicted to lead to an abnormal or absent protein product due to the creation of a premature termination codon in PEX7, a gene where loss-of-function variants are known to be pathogenic. Please note: this variant was assessed in the context of healthy population screening.

NM_000288.4(PEX7):c.782dup (p.Cys261fs)

Gene: PEX7 (peroxisomal biogenesis factor 7; plus strand). Cytogenetic location: 6q23.3.
Variant type: Duplication.
Coding change: c.782dup on transcript NM_000288.4 (MANE Select); coding-DNA position 782, one base duplicated (G; older notation c.782dupG).
Protein change: p.Cys261fs; shifts the reading frame from cysteine 261.
Molecular consequence: frameshift variant.
Genome position (GRCh38, 1-based): chr6:136,872,232, G duplicated. VCF-style (leftmost placement, unchanged base first): chr6-136872231-T-TG. GRCh37 (hg19) VCF-style: chr6-137193369-T-TG.
Other names: c.668dup, p.Cys223fs (NM_001410945.1); short protein forms C223fs, C261fs.
Identifiers: ClinVar variation 5013661 (VCV005013661.1).
Genomic context (GRCh38, chr6:136,872,231, plus strand): 5'-GTTTTTTTTTTCTTTTTTTTTTTGTAGTTTTCACCATTTCATGCTTCTGTGCTGGCCTCT[T>TG]GCTCGTATGATTTTACTGTAAGGTACAGTGGTTTTTAATACATTTCATTGTGAAATACCA-3'